The following is an entry in ClinVar:

ClinVar aggregate classification (germline): Likely benign (1 of 4 stars; one submission).

gnomAD v4.1: 11 of 1,613,722 alleles (0.00068%); highest among the groups gnomAD compares: South Asian, 0.0077%; no homozygotes.

Submission:

CeGaT Center for Human Genetics Tuebingen
Classification: Likely benign. Last evaluated: 2024-07-01. Review status: criteria provided, single submitter. Criteria: CeGaT Center For Human Genetics Tuebingen Variant Classification Criteria Version 2. Collection method: clinical testing. Allele origin: germline. Affected: yes. Observed: 1 variant allele.
Comment: KMT2D: BP4, BP7

NM_003482.4(KMT2D):c.5106A>G (p.Arg1702=)

Gene: KMT2D (lysine methyltransferase 2D; minus strand). Cytogenetic location: 12q13.12.
Variant type: single nucleotide variant.
Coding change: c.5106A>G on transcript NM_003482.4 (MANE Select); coding-DNA position 5106, A replaced by G.
Protein change: p.Arg1702=; no amino-acid change (arginine 1702 retained).
Molecular consequence: synonymous variant.
Genome position (GRCh38, 1-based): chr12:49,044,282, T>C on the plus strand (A>G on the coding strand, the complement: KMT2D is on the minus strand). VCF-style: chr12-49044282-T-C. GRCh37 (hg19) VCF-style: chr12-49438065-T-C.
Identifiers: ClinVar variation 3257123 (VCV003257123.17).